The following is an entry in ClinVar:

NM_005392.4(PHF2):c.2964G>T (p.Pro988=)

Gene: PHF2 (PHD finger protein 2; plus strand). Cytogenetic location: 9q22.31.
Variant type: single nucleotide variant.
Coding change: c.2964G>T on transcript NM_005392.4 (MANE Select); coding-DNA position 2964, G replaced by T.
Protein change: p.Pro988=; no amino-acid change (proline 988 retained).
Molecular consequence: synonymous variant.
Genome position (GRCh38, 1-based): chr9:93,676,725, G>T. VCF-style: chr9-93676725-G-T. GRCh37 (hg19) VCF-style: chr9-96439007-G-T.
Identifiers: ClinVar variation 722562 (VCV000722562.6), dbSNP rs10992855, ClinGen allele CA5133169.

ClinVar aggregate classification (germline): Benign. Review status: criteria provided, multiple submitters, no conflicts (2 of 4 stars). 3 submissions from 3 submitters: Benign (2). 1 of the submissions does not count toward it. Last evaluated 2018-05-18.

Conditions:
PHF2-related disorder. Also called: PHF2-related condition.

Allele frequency attached by ClinVar (database versions not stated): 1000 Genomes Project 30x 0.00265; gnomAD 0.00279.
gnomAD v4.1: 1,440 of 441,432 alleles (0.33%); highest among the groups gnomAD compares: African/African-American, 5.7%; 6 homozygotes.

Submissions (3):

Labcorp Genetics (formerly Invitae), Labcorp
Classification: Benign. Last evaluated: 2018-05-18. Review status: criteria provided, single submitter. Criteria: Invitae Variant Classification Sherloc (09022015). Collection method: clinical testing. Allele origin: germline.

Breakthrough Genomics
Classification: Benign. Review status: criteria provided, single submitter. Criteria: ACMG Guidelines, 2015. Collection method: not provided. Allele origin: germline. Inheritance: Unknown mechanism. Affected: yes.

PreventionGenetics, part of Exact Sciences
Classification: Benign for PHF2-related condition. Last evaluated: 2019-06-11. Review status: no assertion criteria provided. Collection method: clinical testing. Allele origin: germline. Not counted in ClinVar's aggregate classification.
Comment: This variant is classified as benign based on ACMG/AMP sequence variant interpretation guidelines (Richards et al. 2015 PMID: 25741868, with internal and published modifications).